The following is an entry in ClinVar:

ClinVar aggregate classification (germline): Conflicting classifications of pathogenicity. Review status: criteria provided, conflicting classifications (1 of 4 stars). 5 submissions from 3 submitters: Uncertain significance (3); Likely benign (2). Last evaluated 2023-02-08.

Conditions:
Familial Mediterranean fever, autosomal dominant. Also called: FMF, AUTOSOMAL DOMINANT; Dominant Familial Mediterranean Fever. Identifiers: Orphanet 342, MedGen C1851347, MONDO:0007601, OMIM 134610.
Acute febrile neutrophilic dermatosis (AFND). Also called: Sweet Syndrome; Gomm Button disease. Identifiers: Orphanet 3243, MedGen C0085077, MONDO:0011959, OMIM 608068.
Familial Mediterranean fever (FMF). Also called: POLYSEROSITIS, FAMILIAL PAROXYSMAL; POLYSEROSITIS, RECURRENT; Periodic peritonitis; Benign paroxysmal peritonitis. Identifiers: Orphanet 342, MedGen C0031069, MONDO:0018088, OMIM 249100. Disease mechanism: gain of function.

gnomAD v4.1: 35 of 1,613,808 alleles (0.0022%); highest among the groups gnomAD compares: Non-Finnish European, 0.0027%; no homozygotes.

Submissions (5):

Genome-Nilou Lab
Classification: Uncertain significance for Familial Mediterranean fever. Last evaluated: 2023-02-08. Review status: criteria provided, single submitter. Criteria: ACMG Guidelines, 2015. Collection method: clinical testing. Allele origin: germline.

Genome-Nilou Lab
Classification: Likely benign for Familial Mediterranean fever, autosomal dominant. Last evaluated: 2023-02-08. Review status: criteria provided, single submitter. Criteria: ACMG Guidelines, 2015. Collection method: clinical testing. Allele origin: germline.

Genome-Nilou Lab
Classification: Likely benign for Acute febrile neutrophilic dermatosis. Last evaluated: 2023-02-08. Review status: criteria provided, single submitter. Criteria: ACMG Guidelines, 2015. Collection method: clinical testing. Allele origin: germline.

Fulgent Genetics
Classification: Uncertain significance for Familial Mediterranean fever, autosomal dominant; Familial Mediterranean fever; Acute febrile neutrophilic dermatosis. Last evaluated: 2022-04-25. Review status: criteria provided, single submitter. Criteria: ACMG Guidelines, 2015. Collection method: clinical testing. Allele origin: unknown.

Labcorp Genetics (formerly Invitae), Labcorp
Classification: Uncertain significance for Familial Mediterranean fever. Last evaluated: 2021-08-24. Review status: criteria provided, single submitter. Criteria: Invitae Variant Classification Sherloc (09022015). Collection method: clinical testing. Allele origin: germline.
Comment: This sequence change replaces glutamic acid with glutamine at codon 84 of the MEFV protein (p.Glu84Gln). The glutamic acid residue is moderately conserved and there is a small physicochemical difference between glutamic acid and glutamine. This variant is present in population databases (rs150819742, ExAC 0.002%). This variant has not been reported in the literature in individuals affected with MEFV-related conditions. Algorithms developed to predict the effect of missense changes on protein structure and function are either unavailable or do not agree on the potential impact of this missense change (SIFT: "Tolerated"; PolyPhen-2: "Probably Damaging"; Align-GVGD: "Class C0"). In summary, the available evidence is currently insufficient to determine the role of this variant in disease. Therefore, it has been classified as a Variant of Uncertain Significance.

NM_000243.3(MEFV):c.250G>C (p.Glu84Gln)

Gene: MEFV (MEFV innate immunity regulator, pyrin; minus strand). Cytogenetic location: 16p13.3.
Variant type: single nucleotide variant.
Coding change: c.250G>C on transcript NM_000243.3 (MANE Select); coding-DNA position 250, G replaced by C.
Protein change: p.Glu84Gln; replaces glutamic acid 84 with glutamine.
Molecular consequence: missense variant.
Genome position (GRCh38, 1-based): chr16:3,256,338, C>G on the plus strand (G>C on the coding strand, the complement: MEFV is on the minus strand). VCF-style: chr16-3256338-C-G. GRCh37 (hg19) VCF-style: chr16-3306338-C-G.
Other names: c.250G>C, p.Glu84Gln (NM_001198536.2); short protein forms E84Q.
Identifiers: ClinVar variation 1518067 (VCV001518067.6), dbSNP rs150819742, ClinGen allele CA7860492.
Genomic context (GRCh38, chr16:3,256,338, plus strand): 5'-CACTGGATGAGGAGGAGGCCTGGGCCCGCTTACCCTGAATGGCTGCCCTGTGGAGCTCCT[C>G]GGCCAGCAGGCGCTGGTTGATGGCCCGCAGGACCTGCAGGGTGAGCTGCACGGCGTACTC-3'
Protein context (NP_000234.1, residues 74-94): LRAINQRLLA[Glu84Gln]ELHRAAIQEY